The following is an entry in ClinVar:

NM_015448.3(DPCD):c.62A>C (p.Asp21Ala)

Genes: DPCD (deleted in primary ciliary dyskinesia homolog (mouse); plus strand), LOC130004559 (ATAC-STARR-seq lymphoblastoid active region 3913; plus strand). Cytogenetic location: 10q24.32.
Variant type: single nucleotide variant.
Coding change: c.62A>C on transcript NM_015448.3 (MANE Select); coding-DNA position 62, A replaced by C.
Protein change: p.Asp21Ala; replaces aspartic acid 21 with alanine.
Molecular consequence: missense variant. On other transcripts: 5 prime UTR variant (1).
Genome position (GRCh38, 1-based): chr10:101,588,398, A>C. VCF-style: chr10-101588398-A-C. GRCh37 (hg19) VCF-style: chr10-103348155-A-C.
Other names: c.62A>C, p.Asp21Ala (NM_001329742.2, NM_001329743.2, NM_001329744.2 and 1 more transcripts); c.-279A>C (NM_001329745.2); short protein forms D21A.
Identifiers: ClinVar variation 4988238 (VCV004988238.1).

ClinVar aggregate classification (germline): Likely benign (1 of 4 stars; one submission).

Conditions:
DPCD-related condition.

gnomAD v4.1: 129 of 1,592,680 alleles (0.0081%); highest among the groups gnomAD compares: East Asian, 0.19%; 1 homozygote.

Submission:

PreventionGenetics, part of Exact Sciences
Classification: Likely benign for DPCD-related condition. Last evaluated: 2026-02-06. Review status: criteria provided, single submitter. Criteria: ACMG Guidelines, 2015. Collection method: clinical testing. Allele origin: germline.
Comment: This variant is classified as likely benign based on ACMG/AMP sequence variant interpretation guidelines (Richards et al. 2015 PMID: 25741868, with internal and published modifications).